The following is an entry in ClinVar:

ClinVar aggregate classification (germline): Pathogenic (1 of 4 stars; one submission).

Conditions:
X-linked agammaglobulinemia with growth hormone deficiency (IGHD3). Also called: FLEISHER SYNDROME; HYPOGAMMAGLOBULINEMIA AND ISOLATED GROWTH HORMONE DEFICIENCY, X-LINKED; IGHD III; AGAMMAGLOBULINEMIA AND ISOLATED GROWTH HORMONE DEFICIENCY, X-LINKED; Isolated growth hormone deficiency type 3; Growth hormone deficiency with hypogammaglobulinemia. Identifiers: Orphanet 231692, Orphanet 631, MedGen C0472813, MONDO:0010615, OMIM 307200.

Submission:

Labcorp Genetics (formerly Invitae), Labcorp
Classification: Pathogenic for X-linked agammaglobulinemia with growth hormone deficiency. Last evaluated: 2025-01-27. Review status: criteria provided, single submitter. Criteria: Invitae Variant Classification Sherloc (09022015). Collection method: clinical testing. Allele origin: germline.
Comment: This sequence change replaces arginine, which is basic and polar, with serine, which is neutral and polar, at codon 544 of the BTK protein (p.Arg544Ser). This variant is not present in population databases (gnomAD no frequency). This missense change has been observed in individuals with agammaglobulinemia (PMID: 11438999, 17765309, 27512878). This variant is also known as c.1764G>T (p.R544S). ClinVar contains an entry for this variant (Variation ID: 2138644). Invitae Evidence Modeling of protein sequence and biophysical properties (such as structural, functional, and spatial information, amino acid conservation, physicochemical variation, residue mobility, and thermodynamic stability) indicates that this missense variant is expected to disrupt BTK protein function with a positive predictive value of 95%. Algorithms developed to predict the effect of sequence changes on RNA splicing suggest that this variant may disrupt the consensus splice site. For these reasons, this variant has been classified as Pathogenic.

Literature cited by the submitters: PubMed 11438999; PubMed 17765309; PubMed 27512878.

NM_000061.3(BTK):c.1632G>T (p.Arg544Ser)

Gene: BTK (Bruton tyrosine kinase; minus strand). Cytogenetic location: Xq22.1.
Variant type: single nucleotide variant.
Coding change: c.1632G>T on transcript NM_000061.3 (MANE Select); coding-DNA position 1632, G replaced by T.
Protein change: p.Arg544Ser; replaces arginine 544 with serine.
Molecular consequence: missense variant.
Genome position (GRCh38, 1-based): chrX:101,353,988, C>A on the plus strand (G>T on the coding strand, the complement: BTK is on the minus strand). VCF-style: chrX-101353988-C-A. GRCh37 (hg19) VCF-style: chrX-100608976-C-A.
Other names: c.1734G>T, p.Arg578Ser (NM_001287344.2); c.1104G>T, p.Arg368Ser (NM_001287345.2); short protein forms R368S, R544S, R578S.
Identifiers: ClinVar variation 2138644 (VCV002138644.4), dbSNP rs1555977496, ClinGen allele CA413921655.